The following is an entry in ClinVar:

NM_004568.6(SERPINB6):c.881C>A (p.Ala294Asp)

Gene: SERPINB6 (serpin family B member 6; minus strand). Cytogenetic location: 6p25.2.
Variant type: single nucleotide variant.
Coding change: c.881C>A on transcript NM_004568.6 (MANE Select); coding-DNA position 881, C replaced by A.
Protein change: p.Ala294Asp; replaces alanine 294 with aspartic acid.
Molecular consequence: missense variant. On other transcripts: non-coding transcript variant (1).
Genome position (GRCh38, 1-based): chr6:2,948,548, G>T on the plus strand (C>A on the coding strand, the complement: SERPINB6 is on the minus strand). VCF-style: chr6-2948548-G-T. GRCh37 (hg19) VCF-style: chr6-2948782-G-T.
Other names: c.893C>A, p.Ala298Asp (NM_001195291.3, NM_001374515.1); c.923C>A, p.Ala308Asp (NM_001271822.2); c.938C>A, p.Ala313Asp (NM_001271823.2); c.881C>A, p.Ala294Asp (NM_001271824.2, NM_001271825.2, NM_001297699.2 and 2 more transcripts); c.749C>A, p.Ala250Asp (NM_001374517.1); short protein forms A250D, A294D, A298D, A308D, A313D.
Identifiers: ClinVar variation 1315109 (VCV001315109.2), dbSNP rs756395142, ClinGen allele CA3617395.

ClinVar aggregate classification (germline): Uncertain significance (1 of 4 stars; one submission).

Allele frequency attached by ClinVar (database versions not stated): gnomAD exomes 0.00002; ExAC 0.00002.
gnomAD v4.1: 5 of 1,614,164 alleles (0.00031%); highest among the groups gnomAD compares: East Asian, 0.011%; no homozygotes.

Submission:

GeneDx
Classification: Uncertain significance. Last evaluated: 2020-01-30. Review status: criteria provided, single submitter. Criteria: GeneDx Variant Classification Process June 2021. Collection method: clinical testing. Allele origin: germline. Affected: yes.
Comment: In silico analysis, which includes protein predictors and evolutionary conservation, supports a deleterious effect; Has not been previously published as pathogenic or benign to our knowledge